The following is an entry in ClinVar:

NM_002769.5(PRSS1):c.352G>C (p.Val118Leu)

Genes: PRSS1 (serine protease 1; plus strand), TRB (T cell receptor beta locus; plus strand). Cytogenetic location: 7q34.
Variant type: single nucleotide variant.
Coding change: c.352G>C on transcript NM_002769.5 (MANE Select); coding-DNA position 352, G replaced by C.
Protein change: p.Val118Leu; replaces valine 118 with leucine.
Molecular consequence: missense variant. On other transcripts: non-coding transcript variant (4).
Genome position (GRCh38, 1-based): chr7:142,751,925, G>C. VCF-style: chr7-142751925-G-C. GRCh37 (hg19) VCF-style: chr7-142459776-G-C.
Other names: short protein forms V118L.
Identifiers: ClinVar variation 3426344 (VCV003426344.1).
Genomic context (GRCh38, chr7:142,751,925, plus strand): 5'-CAATACGACAGGAAGACTCTGAACAATGACATCATGTTAATCAAGCTCTCCTCACGTGCA[G>C]TAATCAACGCCCGCGTGTCCACCATCTCTCTGCCCACCGCCCCTCCAGCCACTGGCACGA-3'
Protein context (NP_002760.1, residues 108-128): IMLIKLSSRA[Val118Leu]INARVSTISL

ClinVar aggregate classification (germline): Uncertain significance (1 of 4 stars; one submission).

Conditions:
Hereditary pancreatitis (PCTT). Also called: Hereditary chronic pancreatitis; PRSS1-Related Hereditary Pancreatitis. Identifiers: Orphanet 676, MedGen C0238339, MONDO:0008185, OMIM 167800.

Submission:

Ambry Genetics
Classification: Uncertain significance for Hereditary pancreatitis. Last evaluated: 2024-11-12. Review status: criteria provided, single submitter. Criteria: Ambry Variant Classification Scheme 2023. Collection method: clinical testing. Allele origin: germline.
Comment: The p.V118L variant (also known as c.352G>C), located in coding exon 3 of the PRSS1 gene, results from a G to C substitution at nucleotide position 352. The valine at codon 118 is replaced by leucine, an amino acid with highly similar properties. This amino acid position is conserved. In addition, this alteration is predicted to be tolerated by in silico analysis. Based on the available evidence, the clinical significance of this variant remains unclear.